The following is an entry in ClinVar:

NM_001360.3(DHCR7):c.1190C>T (p.Ser397Leu)

Gene: DHCR7 (7-dehydrocholesterol reductase; minus strand). Cytogenetic location: 11q13.4.
Variant type: single nucleotide variant.
Coding change: c.1190C>T on transcript NM_001360.3 (MANE Select); coding-DNA position 1190, C replaced by T.
Protein change: p.Ser397Leu; replaces serine 397 with leucine.
Molecular consequence: missense variant.
Genome position (GRCh38, 1-based): chr11:71,435,613, G>A on the plus strand (C>T on the coding strand, the complement: DHCR7 is on the minus strand). VCF-style: chr11-71435613-G-A. GRCh37 (hg19) VCF-style: chr11-71146659-G-A.
Other names: c.1190C>T, p.Ser397Leu (NM_001163817.2); short protein forms S397L.
Identifiers: ClinVar variation 587952 (VCV000587952.25), dbSNP rs773134475, ClinGen allele CA6162291.

ClinVar aggregate classification (germline): Pathogenic/Likely pathogenic. Review status: criteria provided, multiple submitters, no conflicts (2 of 4 stars). 10 submissions from 10 submitters: Pathogenic (6); Likely pathogenic (4). Last evaluated 2026-01-12.

Conditions:
Smith-Lemli-Opitz syndrome (SLOS). Also called: 7-Dehydrocholesterol reductase deficiency; POLYDACTYLY, SEX REVERSAL, RENAL HYPOPLASIA, AND UNILOBAR LUNG; RSH SYNDROME; RUTLEDGE LETHAL MULTIPLE CONGENITAL ANOMALY SYNDROME; LETHAL ACRODYSGENITAL SYNDROME. Identifiers: Orphanet 818, MedGen C0175694, MONDO:0010035, OMIM 270400.
DHCR7-related disorder. Also called: DHCR7-related condition.
Inborn genetic diseases. Identifiers: MedGen C0950123, MeSH D030342.

Allele frequency attached by ClinVar (database versions not stated): TOPMed 0.00002; gnomAD below 0.00001 and 0.00001; ExAC 0.00001; gnomAD exomes 0.00001.

Submissions (10):

Natera, Inc.
Classification: Pathogenic for Smith-Lemli-Opitz syndrome. Last evaluated: 2026-01-12. Review status: criteria provided, single submitter. Criteria: Natera Variant Classification Schema (03/2026). Collection method: clinical testing. Allele origin: germline.
Comment: The c.1190C>T variant in DHCR7 is a missense variant predicted to cause substitution of serine to leucine at amino acid 397. This variant is rare in the general population with a frequency below the threshold expected for the associated phenotype(s). This variant has been observed in one or more individuals affected with the associated recessive disease, as either homozygous or compound heterozygous with a second variant (PMID: 23293579, 22211794, 15521979). Additionally, this variant has been observed to segregate in affected family members (PMID: 23293579). Computational prediction algorithms indicate this variant is likely to affect gene or protein function. Given the available evidence, this variant is classified as Pathogenic.

PreventionGenetics, part of Exact Sciences
Classification: Pathogenic for DHCR7-related condition. Last evaluated: 2025-07-08. Review status: criteria provided, single submitter. Criteria: ACMG Guidelines, 2015. Collection method: clinical testing. Allele origin: germline.
Comment: The DHCR7 c.1190C>T variant is predicted to result in the amino acid substitution p.Ser397Leu. This variant has been reported in the compound heterozygous state in multiple individuals with Smith-Lemli-Opitz syndrome (Witsch-Baumgartner et al. 2000. PubMed ID: 10677299; Kalb et al. 2011. PubMed ID: 22211794; Balogh et al. 2012. PubMed ID: 23293579; Ciara et al. 2004. PubMed ID: 15521979). This variant is reported in 0.0055% of alleles in individuals of East Asian descent in gnomAD. This variant is interpreted as pathogenic.

Labcorp Genetics (formerly Invitae), Labcorp
Classification: Pathogenic for Smith-Lemli-Opitz syndrome. Last evaluated: 2024-10-31. Review status: criteria provided, single submitter. Criteria: Invitae Variant Classification Sherloc (09022015). Collection method: clinical testing. Allele origin: germline.
Comment: This sequence change replaces serine, which is neutral and polar, with leucine, which is neutral and non-polar, at codon 397 of the DHCR7 protein (p.Ser397Leu). This variant is present in population databases (rs773134475, gnomAD 0.006%). This missense change has been observed in individual(s) with Smith-Lemli-Opitz Syndrome (PMID: 10677299, 15521979, 22211794, 23293579). In at least one individual the data is consistent with being in trans (on the opposite chromosome) from a pathogenic variant. ClinVar contains an entry for this variant (Variation ID: 587952). Invitae Evidence Modeling of protein sequence and biophysical properties (such as structural, functional, and spatial information, amino acid conservation, physicochemical variation, residue mobility, and thermodynamic stability) indicates that this missense variant is expected to disrupt DHCR7 protein function with a positive predictive value of 95%. For these reasons, this variant has been classified as Pathogenic.

Fulgent Genetics
Classification: Likely pathogenic for Smith-Lemli-Opitz syndrome. Last evaluated: 2024-03-23. Review status: criteria provided, single submitter. Criteria: ACMG Guidelines, 2015. Collection method: clinical testing. Allele origin: germline.

3billion
Classification: Pathogenic for Smith-Lemli-Opitz syndrome. Last evaluated: 2022-05-22. Review status: criteria provided, single submitter. Criteria: ACMG Guidelines, 2015. Collection method: clinical testing. Allele origin: germline. Affected: yes. Observed: 1 homozygote.
Comment: The variant is observed at an extremely low frequency in the gnomAD v2.1.1 dataset (total allele frequency: 0.001%). Missense changes are a common disease-causing mechanism. In silico tool predictions suggest damaging effect of the variant on gene or gene product (REVEL: 0.98; 3Cnet: 1.00). Same nucleotide change resulting in same amino acid change has been previously reported as pathogenic/likely pathogenic with strong evidence (ClinVar ID: VCV000587952). The variant has been reported to be in trans with pathogenic variant(s) as either compound heterozygous or homozygous in at least 2 similarly affected unrelated individuals (PMID: 15521979, 22211794, 23293579). Therefore, this variant is classified as pathogenic according to the recommendation of ACMG/AMP guideline.

Revvity Omics, Revvity
Classification: Likely pathogenic for Smith-Lemli-Opitz syndrome. Last evaluated: 2022-02-17. Review status: criteria provided, single submitter. Criteria: ACMG Guidelines, 2015. Collection method: clinical testing. Allele origin: germline.

Blueprint Genetics
Classification: Pathogenic for DHCR7-related disorders. Last evaluated: 2021-10-22. Review status: criteria provided, single submitter. Criteria: ACMG Guidelines, 2015. Collection method: clinical testing. Allele origin: germline. Affected: yes. Observed: 1 variant allele.

Women's Health and Genetics/Laboratory Corporation of America, LabCorp
Classification: Likely pathogenic for Smith-Lemli-Opitz syndrome. Last evaluated: 2021-04-08. Review status: criteria provided, single submitter. Criteria: LabCorp Variant Classification Summary - May 2015. Collection method: clinical testing. Allele origin: germline.
Comment: Variant summary: DHCR7 c.1190C>T (p.Ser397Leu) results in a non-conservative amino acid change located in the fourth cytoplasmic loop domain of the encoded protein sequence. Five of five in-silico tools predict a damaging effect of the variant on protein function. The variant allele was found at a frequency of 1.2e-05 in 241462 control chromosomes. c.1190C>T has been reported in the literature in individuals affected with Smith-Lemli-Opitz Syndrome and subsequently cited by others (example, Witsch-Baumgartner_2000, Ciara_2004, Kalb_2012, Balogh_2012, Donoghue_2018). These data indicate that the variant is likely to be associated with disease. To our knowledge, no experimental evidence demonstrating an impact on protein function has been reported. Two clinical diagnostic laboratories have submitted clinical-significance assessments for this variant to ClinVar after 2014 without evidence for independent evaluation. All laboratories classified the variant as pathogenic/likely pathogenic. Based on the evidence outlined above, the variant was classified as likely pathogenic.

Ambry Genetics
Classification: Likely pathogenic for Inborn genetic diseases. Last evaluated: 2016-06-20. Review status: criteria provided, single submitter. Criteria: Ambry Variant Classification Scheme 2023. Collection method: clinical testing. Allele origin: germline.
Comment: The p.S397L variant (also known as c.1190C>T), located in coding exon 7 of the DHCR7 gene, results from a C to T substitution at nucleotide position 1190. The serine at codon 397 is replaced by leucine, an amino acid with dissimilar properties. This variant was identified in multiple patients with Smith-Lemli-Opitz Syndrome, who also carried pathogenic mutations in DHCR7 (Witsch-Baumgartner M et al, Am. J. Hum. Genet. 2000 Feb; 66(2):402-12; Ciara E et al, Clin. Genet. 2004 Dec; 66(6):517-24; Balogh I et al, Mol Syndromol 2012 Nov; 3(5):215-22; Kalb S et al, Clin. Genet. 2012 Jun; 81(6):598-601). This variant was not reported in population based cohorts in the following databases: Database of Single Nucleotide Polymorphisms (dbSNP), NHLBI Exome Sequencing Project (ESP), and 1000 Genomes Project. In the ESP, this variant was not observed in 6487 samples (12974 alleles) with coverage at this position. This amino acid position is highly conserved in available vertebrate species. In addition, this alteration is predicted to be deleterious by in silico analysis. Based on the majority of available evidence to date, this variant is likely to be pathogenic.

Juno Genomics, Hangzhou Juno Genomics, Inc
Classification: Pathogenic for Smith-Lemli-Opitz syndrome. Review status: criteria provided, single submitter. Criteria: ACMG Guidelines, 2015. Collection method: clinical testing. Allele origin: germline.
Comment: Absent from controls (or at extremely low frequency if recessive) in Genome Aggregation Database.;Multiple lines of computational evidence support a deleterious effect on the gene or gene product.;For recessive disorders, detected in trans with a pathogenic variant.;Co-segregation with disease in multiple affected family members.;Patient's phenotype or family history is highly specific for a disease with a single genetic etiology.

Literature cited by the submitters: PubMed 23293579 (cited by 5 submitters); PubMed 22211794 (cited by 5 submitters); PubMed 15521979 (cited by 5 submitters); PubMed 10677299 (cited by 3 submitters); PubMed 29455191 (cited by Women's Health and Genetics/Laboratory Corporation of America, LabCorp).